The following is an entry in ClinVar:

ClinVar aggregate classification (germline): Uncertain significance (1 of 4 stars; one submission).

Conditions:
Hypertrophic cardiomyopathy. Also called: HYPERTROPHIC MYOCARDIOPATHY. Identifiers: Orphanet 217569, MedGen C0007194, MeSH D002312, MONDO:0005045, HP:0001639.

Submission:

Labcorp Genetics (formerly Invitae), Labcorp
Classification: Uncertain significance for Hypertrophic cardiomyopathy. Last evaluated: 2024-12-18. Review status: criteria provided, single submitter. Criteria: Invitae Variant Classification Sherloc (09022015). Collection method: clinical testing. Allele origin: germline.
Comment: This sequence change replaces leucine, which is neutral and non-polar, with arginine, which is basic and polar, at codon 1715 of the MYH7 protein (p.Leu1715Arg). This variant is not present in population databases (gnomAD no frequency). This variant has not been reported in the literature in individuals affected with MYH7-related conditions. Invitae Evidence Modeling of protein sequence and biophysical properties (such as structural, functional, and spatial information, amino acid conservation, physicochemical variation, residue mobility, and thermodynamic stability) indicates that this missense variant is expected to disrupt MYH7 protein function with a positive predictive value of 95%. In summary, the available evidence is currently insufficient to determine the role of this variant in disease. Therefore, it has been classified as a Variant of Uncertain Significance.

NM_000257.4(MYH7):c.5144T>G (p.Leu1715Arg)

Genes: MHRT (myosin heavy chain associated RNA transcript; plus strand), MYH7 (myosin heavy chain 7; minus strand), LOC126861897 (BRD4-independent group 4 enhancer GRCh37_chr14:23884455-23885654; plus strand). Cytogenetic location: 14q11.2.
Variant type: single nucleotide variant.
Coding change: c.5144T>G on transcript NM_000257.4 (MANE Select); coding-DNA position 5144, T replaced by G.
Protein change: p.Leu1715Arg; replaces leucine 1715 with arginine.
Molecular consequence: missense variant. On other transcripts: non-coding transcript variant (1).
Genome position (GRCh38, 1-based): chr14:23,415,642, A>C on the plus strand (T>G on the coding strand, the complement: MYH7 is on the minus strand). VCF-style: chr14-23415642-A-C. GRCh37 (hg19) VCF-style: chr14-23884851-A-C.
Other names: c.5144T>G, p.Leu1715Arg (NM_001407004.1); short protein forms L1715R.
Identifiers: ClinVar variation 3635997 (VCV003635997.2).